The following is an entry in ClinVar:

NM_001243133.2(NLRP3):c.916C>A (p.Gln306Lys)

Gene: NLRP3 (NLR family pyrin domain containing 3; plus strand). Cytogenetic location: 1q44.
Variant type: single nucleotide variant.
Coding change: c.916C>A on transcript NM_001243133.2 (MANE Select); coding-DNA position 916, C replaced by A.
Protein change: p.Gln306Lys; replaces glutamine 306 with lysine.
Molecular consequence: missense variant.
Genome position (GRCh38, 1-based): chr1:247,424,365, C>A. VCF-style: chr1-247424365-C-A. GRCh37 (hg19) VCF-style: chr1-247587667-C-A.
Other names: c.916C>A, p.Gln306Lys (NM_001079821.3, NM_001127461.3, NM_001127462.3 and 1 more transcripts); c.922C>A, p.Gln308Lys (NM_004895.5); short protein forms Q308K, Q306K.
Identifiers: ClinVar variation 97983 (VCV000097983.1), dbSNP rs180177432, ClinGen allele CA281407.

ClinVar aggregate classification (germline): not provided (0 of 4 stars; one submission).

Conditions:
Familial cold autoinflammatory syndrome 1 (FCAS1). Also called: CRYOPYRIN-ASSOCIATED PERIODIC SYNDROME 1; Familial cold inflammatory syndrome 1. Identifiers: Orphanet 47045, MedGen C4551895, MONDO:0007349, OMIM 120100.

Submission:

Unité médicale des maladies autoinflammatoires, CHRU Montpellier
No classification provided. Condition: Familial cold urticaria. Review status: no classification provided. Collection method: not provided. Allele origin: unknown.
Comment: also involved in OMIM 191900 and 607115